The following is an entry in ClinVar:

NM_017433.5(MYO3A):c.3819G>A (p.Trp1273Ter)

Gene: MYO3A (myosin IIIA; plus strand). Cytogenetic location: 10p12.1.
Variant type: single nucleotide variant.
Coding change: c.3819G>A on transcript NM_017433.5 (MANE Select); coding-DNA position 3819, G replaced by A.
Protein change: p.Trp1273Ter; replaces tryptophan 1273 with a stop codon.
Molecular consequence: nonsense.
Genome position (GRCh38, 1-based): chr10:26,174,083, G>A. VCF-style: chr10-26174083-G-A. GRCh37 (hg19) VCF-style: chr10-26463012-G-A.
Other names: short protein forms W1273*.
Identifiers: ClinVar variation 858273 (VCV000858273.7), dbSNP rs762088627, ClinGen allele CA5445331.

ClinVar aggregate classification (germline): Pathogenic (1 of 4 stars; one submission).

Allele frequency attached by ClinVar (database versions not stated): gnomAD exomes below 0.00001 and 0.00001; ExAC 0.00001; TOPMed 0.00002.
gnomAD v4.1: 6 of 1,614,198 alleles (0.00037%); highest among the groups gnomAD compares: Middle Eastern, 0.033%; no homozygotes.

Submission:

Labcorp Genetics (formerly Invitae), Labcorp
Classification: Pathogenic. Last evaluated: 2021-06-19. Review status: criteria provided, single submitter. Criteria: Invitae Variant Classification Sherloc (09022015). Collection method: clinical testing. Allele origin: germline.
Comment: For these reasons, this variant has been classified as Pathogenic. Loss-of-function variants in MYO3A are known to be pathogenic (PMID: 12032315, 23990876). This variant has not been reported in the literature in individuals with MYO3A-related disease. This variant is present in population databases (rs762088627, ExAC 0.002%). This sequence change creates a premature translational stop signal (p.Trp1273*) in the MYO3A gene. It is expected to result in an absent or disrupted protein product.

Literature cited by the submitters: PubMed 12032315; PubMed 23990876.